The following is an entry in ClinVar:

NC_000023.11:g.18650442C>G

Genes: CDKL5 (cyclin dependent kinase like 5; plus strand), RS1 (retinoschisin 1; minus strand). Cytogenetic location: Xp22.13.
Variant type: single nucleotide variant.
Molecular consequence: intron variant (on NM_000330.4). On other transcripts: missense variant (2).
Genome position: GRCh38 VCF-style: chrX-18650442-C-G. GRCh37 (hg19) VCF-style: chrX-18668562-C-G.
Other names: c.2830C>G, p.Pro944Ala (NM_001037343.2, NM_003159.3); c.185-3110G>C (NM_000330.4); short protein forms P944A.
Identifiers: ClinVar variation 1024601 (VCV001024601.10), dbSNP rs200236257, ClinGen allele CA412373206.

ClinVar aggregate classification (germline): Uncertain significance (1 of 4 stars; one submission).

Conditions:
Angelman syndrome-like. Identifiers: MedGen CN128785.
Developmental and epileptic encephalopathy, 2 (DEE2). Also called: CDKL5 deficiency disorder; INFANTILE SPASM SYNDROME, X-LINKED 2. Identifiers: Orphanet 1934, Orphanet 3451, Orphanet 505652, MedGen C4750718, MONDO:0010396, OMIM 300672.

gnomAD v4.1: 4 of 1,211,841 alleles (0.00033%); highest among the groups gnomAD compares: South Asian, 0.0035%; no homozygotes.

Submission:

Labcorp Genetics (formerly Invitae), Labcorp
Classification: Uncertain significance for Developmental and epileptic encephalopathy, 2; Angelman syndrome-like. Last evaluated: 2022-09-30. Review status: criteria provided, single submitter. Criteria: Invitae Variant Classification Sherloc (09022015). Collection method: clinical testing. Allele origin: germline.
Comment: This variant is not present in population databases (gnomAD no frequency). ClinVar contains an entry for this variant (Variation ID: 1024601). This missense change has been observed in individual(s) with clinical features of CDKL5-related conditions (Invitae). This sequence change replaces proline, which is neutral and non-polar, with alanine, which is neutral and non-polar, at codon 944 of the CDKL5 protein (p.Pro944Ala). Advanced modeling of protein sequence and biophysical properties (such as structural, functional, and spatial information, amino acid conservation, physicochemical variation, residue mobility, and thermodynamic stability) performed at Invitae indicates that this missense variant is not expected to disrupt CDKL5 protein function. In summary, the available evidence is currently insufficient to determine the role of this variant in disease. Therefore, it has been classified as a Variant of Uncertain Significance.